The following is an entry in ClinVar:

NM_003400.4(XPO1):c.315C>G (p.Tyr105Ter)

Gene: XPO1 (exportin 1; minus strand). Cytogenetic location: 2p15.
Variant type: single nucleotide variant.
Coding change: c.315C>G on transcript NM_003400.4 (MANE Select); coding-DNA position 315, C replaced by G.
Protein change: p.Tyr105Ter; replaces tyrosine 105 with a stop codon.
Molecular consequence: nonsense.
Genome position (GRCh38, 1-based): chr2:61,502,297, G>C on the plus strand (C>G on the coding strand, the complement: XPO1 is on the minus strand). VCF-style: chr2-61502297-G-C. GRCh37 (hg19) VCF-style: chr2-61729432-G-C.
Other names: c.315C>G, p.Tyr105Ter (NM_001410799.1); short protein forms Y105*.
Identifiers: ClinVar variation 4073394 (VCV004073394.1).

ClinVar aggregate classification (germline): Pathogenic (1 of 4 stars; one submission).

Conditions:
XPO1-associated Neurodevelopmental Disorder.

Submission:

Genome Diagnostics Laboratory, University Medical Center Utrecht
Classification: Pathogenic for XPO1-associated Neurodevelopmental Disorder. Last evaluated: 2025-07-21. Review status: criteria provided, single submitter. Criteria: ACMG Guidelines, 2015. Collection method: research. Allele origin: germline. Affected: yes.
Comment: ACMG/AMP (Richards et al, 2015): PVS1, PS2, PM2